The following is an entry in ClinVar:

ClinVar aggregate classification (germline): Pathogenic (1 of 4 stars; one submission).

Conditions:
Hereditary cancer-predisposing syndrome. Also called: Neoplastic Syndromes, Hereditary; Tumor predisposition; Hereditary Cancer Syndrome; Hereditary neoplastic syndrome. Identifiers: Orphanet 140162, MedGen C0027672, MeSH D009386, MONDO:0015356.

Submission:

Ambry Genetics
Classification: Pathogenic for Hereditary cancer-predisposing syndrome. Last evaluated: 2022-03-07. Review status: criteria provided, single submitter. Criteria: Ambry Variant Classification Scheme 2023. Collection method: clinical testing. Allele origin: germline.
Comment: The c.2173_2174dupTC pathogenic mutation, located in coding exon 5 of the PALB2 gene, results from a duplication of TC at nucleotide position 2173, causing a translational frameshift with a predicted alternate stop codon (p.P726Hfs*7). This variant is considered to be rare based on population cohorts in the Genome Aggregation Database (gnomAD). This alteration is expected to result in loss of function by premature protein truncation or nonsense-mediated mRNA decay. As such, this alteration is interpreted as a disease-causing mutation.

NM_024675.4(PALB2):c.2173_2174dup (p.Pro726fs)

Gene: PALB2 (partner and localizer of BRCA2; minus strand). Cytogenetic location: 16p12.2.
Variant type: Duplication.
Coding change: c.2173_2174dup on transcript NM_024675.4 (MANE Select); coding-DNA positions 2173 to 2174, 2 bases duplicated (TC; older notation c.2173_2174dupTC).
Protein change: p.Pro726fs; shifts the reading frame from proline 726.
Molecular consequence: frameshift variant.
Genome position (GRCh38, 1-based): chr16:23,629,980-23,629,981, GA duplicated on the plus strand (TC on the coding strand, the reverse complement: PALB2 is on the minus strand). VCF-style (leftmost placement, unchanged base first): chr16-23629979-T-TGA. GRCh37 (hg19) VCF-style: chr16-23641300-T-TGA.
Other names: c.2113_2114dup, p.Pro706Hisfs (NM_001407296.1); c.2173_2174dup, p.Pro726Hisfs (NM_001407297.1, NM_001407298.1, NM_001407299.1 and 3 more transcripts); c.1288_1289dup, p.Pro431Hisfs (NM_001407304.1, NM_001407305.1, NM_001407306.1 and 5 more transcripts); c.385_386dup, p.Pro130Hisfs (NM_001407312.1, NM_001407313.1); c.2173_2174dupTC (NM_024675.3); short protein forms P726fs.
Identifiers: ClinVar variation 1787135 (VCV001787135.2), dbSNP rs2506419228, ClinGen allele CA2580091365.